The following is an entry in ClinVar:

NM_001384474.1(LOXHD1):c.4584G>A (p.Lys1528=)

Gene: LOXHD1 (lipoxygenase homology PLAT domains 1; minus strand). Cytogenetic location: 18q21.1.
Variant type: single nucleotide variant.
Coding change: c.4584G>A on transcript NM_001384474.1 (MANE Select); coding-DNA position 4584, G replaced by A.
Protein change: p.Lys1528=; no amino-acid change (lysine 1528 retained).
Molecular consequence: synonymous variant.
Genome position (GRCh38, 1-based): chr18:46,524,864, C>T on the plus strand (G>A on the coding strand, the complement: LOXHD1 is on the minus strand). VCF-style: chr18-46524864-C-T. GRCh37 (hg19) VCF-style: chr18-44104827-C-T.
Other names: c.1251G>A, p.Lys417= (NM_001145472.3); c.963G>A, p.Lys321= (NM_001308013.2); c.4584G>A, p.Lys1528= (NM_144612.7).
Identifiers: ClinVar variation 680334 (VCV000680334.10), dbSNP rs528605609, ClinGen allele CA8952322.

ClinVar aggregate classification (germline): Likely benign. Review status: criteria provided, multiple submitters, no conflicts (2 of 4 stars). 2 submissions from 2 submitters: Likely benign (2). Last evaluated 2026-01-11.

Allele frequency attached by ClinVar (database versions not stated): gnomAD exomes 0.00003 and 0.00006; ExAC 0.00010; gnomAD 0.00026 and 0.00027; TOPMed 0.00026; 1000 Genomes Project 0.00060; 1000 Genomes Project 30x 0.00062.
gnomAD v4.1: 80 of 1,551,768 alleles (0.0052%); highest among the groups gnomAD compares: African/African-American, 0.092%; no homozygotes.

Submissions (2):

Labcorp Genetics (formerly Invitae), Labcorp
Classification: Likely benign. Last evaluated: 2026-01-11. Review status: criteria provided, single submitter. Criteria: Invitae Variant Classification Sherloc (09022015). Collection method: clinical testing. Allele origin: germline.

GeneDx
Classification: Likely benign. Last evaluated: 2018-03-13. Review status: criteria provided, single submitter. Criteria: GeneDx Variant Classification (06012015). Collection method: clinical testing. Allele origin: germline. Affected: yes.
Comment: This variant is considered likely benign or benign based on one or more of the following criteria: it is a conservative change, it occurs at a poorly conserved position in the protein, it is predicted to be benign by multiple in silico algorithms, and/or has population frequency not consistent with disease.